The following is an entry in ClinVar:

ClinVar aggregate classification (germline): Conflicting classifications of pathogenicity. Review status: criteria provided, conflicting classifications (1 of 4 stars). 4 submissions from 4 submitters: Likely pathogenic (1); Uncertain significance (2); Likely benign (1). Last evaluated 2026-08-18.

Conditions:
Abortive cerebellar ataxia (BEHRS). Also called: OPTIC ATROPHY, INFANTILE HEREDITARY, WITH NEUROLOGIC ABNORMALITIES; Behr syndrome. Identifiers: Orphanet 1239, MedGen C0221061, MONDO:0008858, OMIM 210000.
Glaucoma, normal tension, susceptibility to (NTG). Also called: GLAUCOMA, NORMAL PRESSURE, SUSCEPTIBILITY TO. Identifiers: MedGen C1847730, MONDO:0011693, OMIM 606657.
Optic atrophy with or without deafness, ophthalmoplegia, myopathy, ataxia, and neuropathy. Also called: OPTIC ATROPHY PLUS SYNDROME. Identifiers: MedGen C3276549, MONDO:0007429, OMIM 125250.
Mitochondrial DNA depletion syndrome 14B (cardioencephalomyopathic type). Also called: Mitochondrial DNA depletion syndrome 14 (encephalocardiomyopathic type); Mitochondrial DNA depletion syndrome 14 (cardioencephalomyopathic type). Identifiers: MedGen C6065890, MONDO:0014820, OMIM 616896.
Autosomal dominant optic atrophy classic form (OPA1). Also called: OPTIC ATROPHY, JUVENILE; Optic Atrophy Type 1; KJER-TYPE OPTIC ATROPHY. Identifiers: Orphanet 98673, MedGen C0338508, MONDO:0008134, OMIM 165500.

Allele frequency attached by ClinVar (database versions not stated): gnomAD exomes 0.00004 and 0.00002; gnomAD 0.00001; ESP Exome Variant Server 0.00008; ExAC 0.00003; TOPMed 0.00005.
gnomAD v4.1: 44 of 1,613,388 alleles (0.0027%); highest among the groups gnomAD compares: African/African-American, 0.0013%; no homozygotes.

Submissions (4):

GeneDx
Classification: Uncertain significance. Last evaluated: 2026-08-18. Review status: criteria provided, single submitter. Criteria: GeneDx Variant Classification Process June 2021. Collection method: clinical testing. Allele origin: germline.
Comment: In silico analysis supports that this missense variant has a deleterious effect on protein structure/function; Has not been previously published as pathogenic or benign to our knowledge

Labcorp Genetics (formerly Invitae), Labcorp
Classification: Likely benign. Last evaluated: 2025-06-29. Review status: criteria provided, single submitter. Criteria: Invitae Variant Classification Sherloc (09022015). Collection method: clinical testing. Allele origin: germline.

Laboratory of Prof. Karen Avraham, Tel Aviv University
Classification: Likely pathogenic for Optic atrophy with or without deafness, ophthalmoplegia, myopathy, ataxia, and neuropathy. Last evaluated: 2024-06-04. Review status: criteria provided, single submitter. Criteria: ACMG Guidelines, 2015. Collection method: research. Allele origin: germline. Affected: yes. Observed: 1 variant allele.
Comment: The variant is very rare and predicted to be deleterious by most prediction programs.There are other missense mutations in the same exon.

Autosomal dominant, high-tone normal-to-severe HL

Fulgent Genetics
Classification: Uncertain significance for Optic atrophy with or without deafness, ophthalmoplegia, myopathy, ataxia, and neuropathy; Autosomal dominant optic atrophy classic form; Abortive cerebellar ataxia; Glaucoma, normal tension, susceptibility to; Mitochondrial DNA depletion syndrome 14B (cardioencephalomyopathic type). Last evaluated: 2021-12-09. Review status: criteria provided, single submitter. Criteria: ACMG Guidelines, 2015. Collection method: clinical testing. Allele origin: unknown.

NM_130837.3(OPA1):c.2617C>T (p.Arg873Trp)

Gene: OPA1 (OPA1 mitochondrial dynamin like GTPase; plus strand). Cytogenetic location: 3q29.
Variant type: single nucleotide variant.
Coding change: c.2617C>T on transcript NM_130837.3 (MANE Select); coding-DNA position 2617, C replaced by T.
Protein change: p.Arg873Trp; replaces arginine 873 with tryptophan.
Molecular consequence: missense variant.
Genome position (GRCh38, 1-based): chr3:193,662,918, C>T. VCF-style: chr3-193662918-C-T. GRCh37 (hg19) VCF-style: chr3-193380707-C-T.
Other names: c.2083C>T, p.Arg695Trp (NM_001354663.2); c.2080C>T, p.Arg694Trp (NM_001354664.2); c.2452C>T, p.Arg818Trp (NM_015560.3); c.2344C>T, p.Arg782Trp (NM_130831.3); c.2398C>T, p.Arg800Trp (NM_130832.3); c.2455C>T, p.Arg819Trp (NM_130833.3); c.2506C>T, p.Arg836Trp (NM_130834.3); c.2509C>T, p.Arg837Trp (NM_130835.3); and 1 more; short protein forms R818W, R873W, R782W, R800W, R837W, R855W, R695W, R819W.
Identifiers: ClinVar variation 432856 (VCV000432856.13), dbSNP rs143252541, ClinGen allele CA2759706.
Genomic context (GRCh38, chr3:193,662,918, plus strand): 5'-ATGTTGAAATGTAATGAGGAGCACCCAGCTTATCTTGCAAGTGATGAAATAACCACAGTC[C>T]GGAAGAACCTTGAATCCCGAGGAGTAGAAGTAGATCCAAGCTTGGTAATAAATACTGCTG-3'
Protein context (NP_570850.2, residues 863-883): YLASDEITTV[Arg873Trp]KNLESRGVEV